The following is an entry in ClinVar:

NM_003764.4(STX11):c.*1335G>A

Gene: STX11 (syntaxin 11; plus strand). Cytogenetic location: 6q24.2.
Variant type: single nucleotide variant.
Coding change: c.*1335G>A on transcript NM_003764.4 (MANE Select); 1335 bases downstream of the stop codon, G replaced by A.
Molecular consequence: 3 prime UTR variant.
Genome position (GRCh38, 1-based): chr6:144,188,826, G>A. VCF-style: chr6-144188826-G-A. GRCh37 (hg19) VCF-style: chr6-144509963-G-A.
Other names: c.*1335G>A (LRG_113t1).
Identifiers: ClinVar variation 355620 (VCV000355620.5), dbSNP rs148458308, ClinGen allele CA10621563.

ClinVar aggregate classification (germline): Benign (1 of 4 stars; one submission).

Conditions:
Familial hemophagocytic lymphohistiocytosis 4 (FHL4). Also called: STX11-Related Familial Hemophagocytic Lymphohistiocytosis (STX11-fHLH). Identifiers: Orphanet 540, MedGen C1863728, MONDO:0011336, OMIM 603552.

Allele frequency attached by ClinVar (database versions not stated): gnomAD 0.00347 and 0.00479; TOPMed 0.00466; 1000 Genomes Project 30x 0.02046; 1000 Genomes Project 0.02177.
gnomAD v4.1: 698 of 145,696 alleles (0.48%); highest among the groups gnomAD compares: East Asian, 10%; 24 homozygotes.

Submission:

Illumina Laboratory Services, Illumina
Classification: Benign for Familial hemophagocytic lymphohistiocytosis 4. Last evaluated: 2018-01-13. Review status: criteria provided, single submitter. Criteria: ICSL Variant Classification Criteria 13 December 2019. Collection method: clinical testing. Allele origin: germline.
Comment: This variant was observed in the ICSL laboratory as part of a predisposition screen in an ostensibly healthy population. It had not been previously curated by ICSL or reported in the Human Gene Mutation Database (HGMD: prior to June 1st, 2018), and was therefore a candidate for classification through an automated scoring system. Utilizing variant allele frequency, disease prevalence and penetrance estimates, and inheritance mode, an automated score was calculated to assess if this variant is too frequent to cause the disease. Based on the score and internal cut-off values, a variant classified as benign is not then subjected to further curation. The score for this variant resulted in a classification of benign for this disease.